The following is an entry in ClinVar:

NM_000282.4(PCCA):c.622del (p.Ile208fs)

Gene: PCCA (propionyl-CoA carboxylase subunit alpha; plus strand). Cytogenetic location: 13q32.3.
Variant type: Deletion.
Coding change: c.622del on transcript NM_000282.4 (MANE Select); coding-DNA position 622, one base deleted (A; older notation c.622delA).
Protein change: p.Ile208fs; shifts the reading frame from isoleucine 208.
Molecular consequence: frameshift variant. On other transcripts: 5 prime UTR variant (3), non-coding transcript variant (5).
Genome position (GRCh38, 1-based): chr13:100,235,863, A deleted; the last of 2 consecutive A bases (chr13:100,235,862-100,235,863); deleting either gives the same sequence. VCF-style (leftmost placement, unchanged base first): chr13-100235861-GA-G. GRCh37 (hg19) VCF-style: chr13-100888115-GA-G.
Other names: c.544del, p.Ile182fs (NM_001127692.3, NM_001352607.2, NM_001352608.2); c.622del, p.Ile208fs (NM_001178004.2, NM_001352605.2, NM_001352606.2 and 1 more transcripts); c.-245del (NM_001352610.2, NM_001352611.2, NM_001352612.2); short protein forms I182fs, I208fs.
Identifiers: ClinVar variation 1724782 (VCV001724782.2), dbSNP rs2547832670, ClinGen allele CA2580086926.

ClinVar aggregate classification (germline): Likely pathogenic (1 of 4 stars; one submission).

Conditions:
Propionic acidemia (PROP). Also called: GLYCINEMIA, KETOTIC; HYPERGLYCINEMIA WITH KETOACIDOSIS AND LEUKOPENIA; KETOTIC HYPERGLYCINEMIA. Identifiers: Orphanet 35, MedGen C0268579, MONDO:0011628, OMIM 606054, HP:0003571.

Submission:

Myriad Genetics, Inc.
Classification: Likely pathogenic for Propionic acidemia. Last evaluated: 2022-02-25. Review status: criteria provided, single submitter. Criteria: Myriad Women's Health Autosomal Recessive and X-Linked Classification Criteria (2021). Collection method: clinical testing. Allele origin: unknown.
Comment: NM_000282.3(PCCA):c.622delA(I208Lfs*10) is expected to be pathogenic in the context of PCCA-related propionic acidemia. This variant is predicted to lead to an abnormal or absent protein product due to the creation of a premature termination codon in PCCA, a gene where loss-of-function variants are known to be pathogenic. Please note: this variant was assessed in the context of healthy population screening.